The following is an entry in ClinVar:

ClinVar aggregate classification (germline): Benign. Review status: criteria provided, multiple submitters, no conflicts (2 of 4 stars). 2 submissions from 2 submitters: Benign (2). Last evaluated 2023-11-12.

Allele frequency attached by ClinVar (database versions not stated): gnomAD exomes 0.31712 and 0.33391; ExAC 0.33750; gnomAD 0.38289 and 0.38956; TOPMed 0.39290; ESP Exome Variant Server 0.40182.

Submissions (2):

Unidad de Genómica Garrahan, Hospital de Pediatría Garrahan
Classification: Benign. Last evaluated: 2023-11-12. Review status: criteria provided, single submitter. Criteria: ACMG Guidelines, 2015. Collection method: clinical testing. Allele origin: germline. Affected: no. Observed: 62 variant alleles.
Comment: This variant is classified as Benign based on local population frequency. This variant was detected in 65% of patients studied by a panel of primary immunodeficiencies. Number of patients: 62. Only high quality variants are reported.

GeneDx
Classification: Benign. Last evaluated: 2018-06-26. Review status: criteria provided, single submitter. Criteria: GeneDx Variant Classification Process June 2021. Collection method: clinical testing. Allele origin: germline. Affected: yes.

NM_203447.4(DOCK8):c.333-29_333-28insAT

Gene: DOCK8 (dedicator of cytokinesis 8; plus strand). Cytogenetic location: 9p24.3.
Variant type: Insertion.
Coding change: c.333-29_333-28insAT on transcript NM_203447.4 (MANE Select); 29 bases into the intron before coding-DNA position 333 through 28 bases into the intron before coding-DNA position 333, AT inserted.
Molecular consequence: intron variant.
Genome position: GRCh38 VCF-style: chr9-289481-C-CAT. GRCh37 (hg19) VCF-style: chr9-289481-C-CAT.
Other names: c.129-29_129-28insAT (NM_001193536.2, NM_001190458.2).
Identifiers: ClinVar variation 1232673 (VCV001232673.5), dbSNP rs34722895, ClinGen allele CA4957184.